The following is an entry in ClinVar:

ClinVar aggregate classification (germline): Uncertain significance (1 of 4 stars; one submission).

Submission:

GeneDx
Classification: Uncertain significance. Last evaluated: 2022-02-07. Review status: criteria provided, single submitter. Criteria: GeneDx Variant Classification Process June 2021. Collection method: clinical testing. Allele origin: germline. Affected: yes.
Comment: Not observed at significant frequency in large population cohorts (gnomAD); In silico analysis supports that this missense variant has a deleterious effect on protein structure/function; In silico analysis supports a deleterious effect on splicing; Has not been previously published as pathogenic or benign to our knowledge

NM_153704.6(TMEM67):c.1574A>G (p.Asp525Gly)

Gene: TMEM67 (transmembrane protein 67; plus strand). Cytogenetic location: 8q22.1.
Variant type: single nucleotide variant.
Coding change: c.1574A>G on transcript NM_153704.6 (MANE Select); coding-DNA position 1574, A replaced by G.
Protein change: p.Asp525Gly; replaces aspartic acid 525 with glycine.
Molecular consequence: missense variant. On other transcripts: non-coding transcript variant (1).
Genome position (GRCh38, 1-based): chr8:93,791,318, A>G. VCF-style: chr8-93791318-A-G. GRCh37 (hg19) VCF-style: chr8-94803546-A-G.
Other names: c.1331A>G, p.Asp444Gly (NM_001142301.1); short protein forms D444G, D525G.
Identifiers: ClinVar variation 1700363 (VCV001700363.2), dbSNP rs2130711394, ClinGen allele CA371691008.